The following is an entry in ClinVar:

ClinVar aggregate classification (germline): Uncertain significance. Review status: criteria provided, multiple submitters, no conflicts (2 of 4 stars). 2 submissions from 2 submitters: Uncertain significance (2). Last evaluated 2025-04-05.

Allele frequency attached by ClinVar (database versions not stated): gnomAD exomes below 0.00001 and 0.00001.
gnomAD v4.1: 2 of 1,550,456 alleles (0.00013%); highest among the groups gnomAD compares: East Asian, 0.0024%; no homozygotes.

Submissions (2):

Ambry Genetics
Classification: Uncertain significance. Last evaluated: 2025-04-05. Review status: criteria provided, single submitter. Criteria: Ambry Variant Classification Scheme 2023. Collection method: clinical testing. Allele origin: germline.
Comment: The p.M288I variant (also known as c.864G>A), located in coding exon 4 of the GFI1 gene, results from a G to A substitution at nucleotide position 864. The methionine at codon 288 is replaced by isoleucine, an amino acid with highly similar properties. This amino acid position is conserved. In addition, this alteration is predicted to be tolerated by in silico analysis. Based on the available evidence, the clinical significance of this variant remains unclear.

Genetic Services Laboratory, University of Chicago
Classification: Uncertain significance. Last evaluated: 2021-08-04. Review status: criteria provided, single submitter. Criteria: ACMG Guidelines, 2015. Collection method: clinical testing. Allele origin: germline. Affected: no.
Comment: DNA sequence analysis of the GFI1 gene demonstrated a sequence change, c.864G>A, in exon 5 that results in an amino acid change, p.Met288Ile. This sequence change has been described in one individual in the East Asian subpopulation in the gnomAD database (dbSNP rs1433049434). The p.Met288Ile change affects a moderately conserved amino acid residue located in a domain of the GFI1 protein that is known to be functional. The p.Met288Ile substitution appears to be benign using several in-silico pathogenicity prediction tools (SIFT, PolyPhen2, Align GVGD, REVEL). This sequence change does not appear to have been previously described in individuals with GFI1-related disorders. Due to insufficient evidences and the lack of functional studies, the clinical significance of the p.Met288Ile change remains unknown at this time.

NM_005263.5(GFI1):c.864G>A (p.Met288Ile)

Gene: GFI1 (growth factor independent 1 transcriptional repressor; minus strand). Cytogenetic location: 1p22.1.
Variant type: single nucleotide variant.
Coding change: c.864G>A on transcript NM_005263.5 (MANE Select); coding-DNA position 864, G replaced by A.
Protein change: p.Met288Ile; replaces methionine 288 with isoleucine.
Molecular consequence: missense variant.
Genome position (GRCh38, 1-based): chr1:92,480,408, C>T on the plus strand (G>A on the coding strand, the complement: GFI1 is on the minus strand). VCF-style: chr1-92480408-C-T. GRCh37 (hg19) VCF-style: chr1-92945965-C-T.
Other names: c.864G>A, p.Met288Ile (NM_001127215.3, NM_001127216.3); c.864G>A (NM_005263.3); short protein forms M288I.
Identifiers: ClinVar variation 1338034 (VCV001338034.5), dbSNP rs1433049434, ClinGen allele CA341148547.